The following is an entry in ClinVar:

ClinVar aggregate classification (germline): Likely benign. Review status: no assertion criteria provided (0 of 4 stars). 2 submissions from 2 submitters: Likely benign (1). 1 of the submissions does not count toward it. Last evaluated 2023-06-20.

Conditions:
CIC-related disorder. Also called: CIC-related condition.

Allele frequency attached by ClinVar (database versions not stated): gnomAD exomes 0.00001; TOPMed 0.00011; 1000 Genomes Project 30x 0.00016; 1000 Genomes Project 0.00020.
gnomAD v4.1: 32 of 1,614,062 alleles (0.002%); highest among the groups gnomAD compares: East Asian, 0.042%; no homozygotes.

Submissions (2):

PreventionGenetics, part of Exact Sciences
Classification: Likely benign for CIC-related condition. Last evaluated: 2023-06-20. Review status: no assertion criteria provided. Collection method: clinical testing. Allele origin: germline.
Comment: This variant is classified as likely benign based on ACMG/AMP sequence variant interpretation guidelines (Richards et al. 2015 PMID: 25741868, with internal and published modifications).

ITMI
No classification provided. Condition: AllHighlyPenetrant. Last evaluated: 2013-09-19. Review status: no classification provided. Collection method: reference population. Allele origin: germline. Not counted in ClinVar's aggregate classification.
Comment: Please see associated publication for description of ethnicities

Literature cited by the submitters: PubMed 24728327 (cited by ITMI).

NM_001386298.1(CIC):c.3190A>G (p.Ile1064Val)

Gene: CIC (capicua transcriptional repressor; plus strand). Cytogenetic location: 19q13.2.
Variant type: single nucleotide variant.
Coding change: c.3190A>G on transcript NM_001386298.1 (MANE Select); coding-DNA position 3190, A replaced by G.
Protein change: p.Ile1064Val; replaces isoleucine 1064 with valine.
Molecular consequence: missense variant.
Genome position (GRCh38, 1-based): chr19:42,287,330, A>G. VCF-style: chr19-42287330-A-G. GRCh37 (hg19) VCF-style: chr19-42791482-A-G.
Other names: c.3190A>G, p.Ile1064Val (NM_001304815.2, NM_001379480.1, NM_001379482.1); c.463A>G, p.Ile155Val (NM_001379484.1, NM_001379485.1, NM_015125.5); c.463A>G (NM_015125.4); short protein forms I155V, I1064V.
Identifiers: ClinVar variation 133919 (VCV000133919.3), dbSNP rs199958449, ClinGen allele CA158156.